The following is an entry in ClinVar:

NM_000352.6(ABCC8):c.3022G>A (p.Gly1008Ser)

Gene: ABCC8 (ATP binding cassette subfamily C member 8; minus strand). Cytogenetic location: 11p15.1.
Variant type: single nucleotide variant.
Coding change: c.3022G>A on transcript NM_000352.6 (MANE Select); coding-DNA position 3022, G replaced by A.
Protein change: p.Gly1008Ser; replaces glycine 1008 with serine.
Molecular consequence: missense variant. On other transcripts: non-coding transcript variant (1).
Genome position (GRCh38, 1-based): chr11:17,407,028, C>T on the plus strand (G>A on the coding strand, the complement: ABCC8 is on the minus strand). VCF-style: chr11-17407028-C-T. GRCh37 (hg19) VCF-style: chr11-17428575-C-T.
Other names: c.3025G>A, p.Gly1009Ser (NM_001287174.3); c.3088G>A, p.Gly1030Ser (NM_001351295.2); c.3022G>A, p.Gly1008Ser (NM_001351296.2); c.3019G>A, p.Gly1007Ser (NM_001351297.2); short protein forms G1009S, G1007S, G1008S, G1030S.
Identifiers: ClinVar variation 3730150 (VCV003730150.3).
Genomic context (GRCh38, chr11:17,407,028, plus strand): 5'-CCACCAGGACCATGTGCTTGAGCAGCTGTGAGAAGACCAGCAACGACAGGAGCAGGATGC[C>T]GGCGGAGGACAGGTACTTGGCGCAGGCTCGCCATGGGATCTCAGCACGCTGGTGCAGCAT-3'
Protein context (NP_000343.2, residues 998-1018): RACAKYLSSA[Gly1008Ser]ILLLSLLVFS

ClinVar aggregate classification (germline): Uncertain significance. Review status: criteria provided, multiple submitters, no conflicts (2 of 4 stars). 2 submissions from 2 submitters: Uncertain significance (2). Last evaluated 2024-09-04.

Submissions (2):

Blueprint Genetics
Classification: Uncertain significance. Last evaluated: 2024-09-04. Review status: criteria provided, single submitter. Criteria: ACMG Guidelines, 2015. Collection method: clinical testing. Allele origin: germline.

Labcorp Genetics (formerly Invitae), Labcorp
Classification: Uncertain significance. Last evaluated: 2024-03-31. Review status: criteria provided, single submitter. Criteria: Invitae Variant Classification Sherloc (09022015). Collection method: clinical testing. Allele origin: germline.
Comment: This sequence change replaces glycine, which is neutral and non-polar, with serine, which is neutral and polar, at codon 1008 of the ABCC8 protein (p.Gly1008Ser). The frequency data for this variant in the population databases is considered unreliable, as metrics indicate poor data quality at this position in the gnomAD database. This missense change has been observed in individual(s) with clinical features of ABCC8-related conditions (PMID: 29439679). Advanced modeling of protein sequence and biophysical properties (such as structural, functional, and spatial information, amino acid conservation, physicochemical variation, residue mobility, and thermodynamic stability) performed at Invitae indicates that this missense variant is expected to disrupt ABCC8 protein function with a positive predictive value of 95%. In summary, the available evidence is currently insufficient to determine the role of this variant in disease. Therefore, it has been classified as a Variant of Uncertain Significance.

Literature cited by the submitters: PubMed 29439679 (cited by Labcorp Genetics (formerly Invitae), Labcorp).